The following is an entry in ClinVar:

ClinVar aggregate classification (germline): Pathogenic (1 of 4 stars; one submission).

Submission:

Labcorp Genetics (formerly Invitae), Labcorp
Classification: Pathogenic. Last evaluated: 2025-08-19. Review status: criteria provided, single submitter. Criteria: Invitae Variant Classification Sherloc (09022015). Collection method: clinical testing. Allele origin: germline.
Comment: This sequence change creates a premature translational stop signal (p.Gly1130Serfs*55) in the SPTB gene. It is expected to result in an absent or disrupted protein product. Loss-of-function variants in SPTB are known to be pathogenic (PMID: 1391962, 1498324, 8844207, 26830532, 27292444). This variant is not present in population databases (gnomAD no frequency). This variant has not been reported in the literature in individuals affected with SPTB-related conditions. For these reasons, this variant has been classified as Pathogenic.

Literature cited by the submitters: PubMed 1391962; PubMed 1498324; PubMed 8844207; PubMed 26830532; PubMed 27292444.

NM_001355436.2(SPTB):c.3378_3387dup (p.Gly1130fs)

Gene: SPTB (spectrin beta, erythrocytic; minus strand). Cytogenetic location: 14q23.3.
Variant type: Duplication.
Coding change: c.3378_3387dup on transcript NM_001355436.2 (MANE Select); coding-DNA positions 3378 to 3387, 10 bases duplicated (AGTGATCCAA; older notation c.3378_3387dupAGTGATCCAA).
Protein change: p.Gly1130fs; shifts the reading frame from glycine 1130.
Molecular consequence: frameshift variant.
Genome position (GRCh38, 1-based): chr14:64,786,578-64,786,587, TTGGATCACT duplicated on the plus strand (AGTGATCCAA on the coding strand, the reverse complement: SPTB is on the minus strand); duplicating any 10 consecutive bases within chr14:64,786,578-64,786,589 gives the same sequence; the c. name uses the placement nearest the transcript's 3' end. VCF-style (leftmost placement, unchanged base first): chr14-64786577-C-CTTGGATCACT. GRCh37 (hg19) VCF-style: chr14-65253295-C-CTTGGATCACT.
Other names: c.3378_3387dup, p.Gly1130fs (NM_001024858.4, NM_001355437.2); short protein forms G1130fs.
Identifiers: ClinVar variation 4725679 (VCV004725679.1).